The following is an entry in ClinVar:

ClinVar aggregate classification (germline): Uncertain significance (1 of 4 stars; one submission).

Submission:

GeneDx
Classification: Uncertain significance. Last evaluated: 2025-04-04. Review status: criteria provided, single submitter. Criteria: GeneDx Variant Classification Process June 2021. Collection method: clinical testing. Allele origin: germline. Affected: yes.
Comment: Not observed at significant frequency in large population cohorts (gnomAD); In silico analysis indicates that this missense variant does not alter protein structure/function; Has not been previously published as pathogenic or benign to our knowledge

NM_031407.7(HUWE1):c.9443A>G (p.Gln3148Arg)

Gene: HUWE1 (HECT, UBA and WWE domain containing E3 ubiquitin protein ligase 1; minus strand). Cytogenetic location: Xp11.22.
Variant type: single nucleotide variant.
Coding change: c.9443A>G on transcript NM_031407.7 (MANE Select); coding-DNA position 9443, A replaced by G.
Protein change: p.Gln3148Arg; replaces glutamine 3148 with arginine.
Molecular consequence: missense variant.
Genome position (GRCh38, 1-based): chrX:53,550,711, T>C on the plus strand (A>G on the coding strand, the complement: HUWE1 is on the minus strand). VCF-style: chrX-53550711-T-C. GRCh37 (hg19) VCF-style: chrX-53577672-T-C.
Other names: c.9440A>G, p.Gln3147Arg (NM_001441048.1, NM_001441051.1, NM_001441053.1 and 2 more transcripts); c.9443A>G, p.Gln3148Arg (NM_001441049.1, NM_001441054.1, NM_001441057.1); c.9464A>G, p.Gln3155Arg (NM_001441050.1, NM_001441055.1); c.9041A>G, p.Gln3014Arg (NM_001441052.1); short protein forms Q3014R, Q3147R, Q3148R, Q3155R.
Identifiers: ClinVar variation 4281743 (VCV004281743.1).